The following is an entry in ClinVar:

NM_001267550.2(TTN):c.105825G>C (p.Glu35275Asp)

Genes: TTN-AS1 (TTN antisense RNA 1; plus strand), TTN (titin; minus strand), LOC129935183 (ATAC-STARR-seq lymphoblastoid active region 16808; plus strand). Cytogenetic location: 2q31.2.
Variant type: single nucleotide variant.
Coding change: c.105825G>C on transcript NM_001267550.2 (MANE Select); coding-DNA position 105825, G replaced by C.
Protein change: p.Glu35275Asp; replaces glutamic acid 35275 with aspartic acid.
Molecular consequence: missense variant.
Genome position (GRCh38, 1-based): chr2:178,530,790, C>G on the plus strand (G>C on the coding strand, the complement: TTN is on the minus strand). VCF-style: chr2-178530790-C-G. GRCh37 (hg19) VCF-style: chr2-179395517-C-G.
Other names: c.100902G>C, p.Glu33634Asp (NM_001256850.1); c.78630G>C, p.Glu26210Asp (NM_003319.4); c.98121G>C, p.Glu32707Asp (NM_133378.4); c.79005G>C, p.Glu26335Asp (NM_133432.3); c.79206G>C, p.Glu26402Asp (NM_133437.4); short protein forms E26210D, E26335D, E26402D, E32707D, E33634D, E35275D.
Identifiers: ClinVar variation 1024531 (VCV001024531.5), dbSNP rs377219772, ClinGen allele CA1985204.

ClinVar aggregate classification (germline): Uncertain significance (1 of 4 stars; one submission).

Conditions:
Dilated cardiomyopathy 1G (CMD1G). Identifiers: Orphanet 154, MedGen C1858763, MONDO:0011400, OMIM 604145.
Autosomal recessive limb-girdle muscular dystrophy type 2J (LGMDR10). Also called: MUSCULAR DYSTROPHY, LIMB-GIRDLE, AUTOSOMAL RECESSIVE 10; Limb-girdle muscular dystrophy, type 2J. Identifiers: Orphanet 140922, MedGen C1837342, MONDO:0012127, OMIM 608807.

Allele frequency attached by ClinVar (database versions not stated): TOPMed below 0.00001; gnomAD 0.00001; ESP Exome Variant Server 0.00008.

Submission:

Labcorp Genetics (formerly Invitae), Labcorp
Classification: Uncertain significance for Dilated cardiomyopathy 1G; Autosomal recessive limb-girdle muscular dystrophy type 2J. Last evaluated: 2020-08-26. Review status: criteria provided, single submitter. Criteria: Invitae Variant Classification Sherloc (09022015). Collection method: clinical testing. Allele origin: germline.
Comment: In summary, the available evidence is currently insufficient to determine the role of this variant in disease. Therefore, it has been classified as a Variant of Uncertain Significance. This variant is located in the M band of TTN (PMID: 25589632). Variants in this region may be relevant for neuromuscular disorders, but have not been definitively shown to cause cardiomyopathy (PMID: 23975875). Algorithms developed to predict the effect of missense changes on protein structure and function are unavailable for the TTN gene. This variant has not been reported in the literature in individuals with TTN-related conditions. This variant is present in population databases (rs377219772, ExAC 0.003%). This sequence change replaces glutamic acid with aspartic acid at codon 35275 of the TTN protein (p.Glu35275Asp). There is a small physicochemical difference between glutamic acid and aspartic acid.

Literature cited by the submitters: PubMed 25589632; PubMed 23975875.